The following is an entry in ClinVar:

NM_012418.4(FSCN2):c.87C>G (p.Phe29Leu)

Gene: FSCN2 (fascin actin-bundling protein 2, retinal; plus strand). Cytogenetic location: 17q25.3.
Variant type: single nucleotide variant.
Coding change: c.87C>G on transcript NM_012418.4 (MANE Select); coding-DNA position 87, C replaced by G.
Protein change: p.Phe29Leu; replaces phenylalanine 29 with leucine.
Molecular consequence: missense variant.
Genome position (GRCh38, 1-based): chr17:81,528,618, C>G. VCF-style: chr17-81528618-C-G. GRCh37 (hg19) VCF-style: chr17-79495644-C-G.
Other names: c.87C>G, p.Phe29Leu (NM_001077182.3); short protein forms F29L.
Identifiers: ClinVar variation 1378385 (VCV001378385.6), dbSNP rs377085709, ClinGen allele CA401469610.

ClinVar aggregate classification (germline): Uncertain significance (1 of 4 stars; one submission).

gnomAD v4.1: 1 of 1,607,184 alleles (0.000062%); highest among the groups gnomAD compares: East Asian, 0.0022%; no homozygotes.

Submission:

Labcorp Genetics (formerly Invitae), Labcorp
Classification: Uncertain significance. Last evaluated: 2021-08-28. Review status: criteria provided, single submitter. Criteria: Invitae Variant Classification Sherloc (09022015). Collection method: clinical testing. Allele origin: germline.
Comment: This sequence change replaces phenylalanine with leucine at codon 29 of the FSCN2 protein (p.Phe29Leu). The phenylalanine residue is highly conserved and there is a small physicochemical difference between phenylalanine and leucine. This variant is not present in population databases (ExAC no frequency). This variant has not been reported in the literature in individuals affected with FSCN2-related conditions. Algorithms developed to predict the effect of missense changes on protein structure and function are either unavailable or do not agree on the potential impact of this missense change (SIFT: "Deleterious"; PolyPhen-2: "Probably Damaging"; Align-GVGD: "Class C0"). In summary, the available evidence is currently insufficient to determine the role of this variant in disease. Therefore, it has been classified as a Variant of Uncertain Significance.